The following is an entry in ClinVar:

NM_001244008.2(KIF1A):c.1566T>A (p.Asp522Glu)

Gene: KIF1A (kinesin family member 1A; minus strand). Cytogenetic location: 2q37.3.
Variant type: single nucleotide variant.
Coding change: c.1566T>A on transcript NM_001244008.2 (MANE Select); coding-DNA position 1566, T replaced by A.
Protein change: p.Asp522Glu; replaces aspartic acid 522 with glutamic acid.
Molecular consequence: missense variant.
Genome position (GRCh38, 1-based): chr2:240,767,277, A>T on the plus strand (T>A on the coding strand, the complement: KIF1A is on the minus strand). VCF-style: chr2-240767277-A-T. GRCh37 (hg19) VCF-style: chr2-241706694-A-T.
Other names: c.1566T>A, p.Asp522Glu (NM_001320705.2, NM_001330289.2, NM_001379638.1); c.1641T>A, p.Asp547Glu (NM_001330290.2, NM_001379631.1, NM_001379634.1 and 2 more transcripts); c.1539T>A, p.Asp513Glu (NM_001379632.1, NM_001379633.1, NM_001379636.1 and 10 more transcripts); c.1614T>A, p.Asp538Glu (NM_001379637.1, NM_001379648.1); short protein forms D522E, D547E, D538E, D513E.
Identifiers: ClinVar variation 4789381 (VCV004789381.1).
Genomic context (GRCh38, chr2:240,767,277, plus strand): 5'-AGATCCCAGGGCCTGGCCAGGCTGGAGTGGCTGCCAGGTCCCCTCTCACCTGGTGATCCC[A>T]TCCTTGATGTAGTAGAGCAGGCACTCAGACATCAGCGGGTCCTCGTTCAGGTTGACGAGG-3'
Protein context (NP_001230937.1, residues 512-532): MSECLLYYIK[Asp522Glu]GITRVGREDG

ClinVar aggregate classification (germline): Uncertain significance (1 of 4 stars; one submission).

Conditions:
Neuropathy, hereditary sensory, type 2C. Also called: KIF1A-Related HSAN2 (HSAN2C); Hereditary sensory and autonomic neuropathy type IIC. Identifiers: Orphanet 970, MedGen C3280168, MONDO:0013634, OMIM 614213.
Hereditary spastic paraplegia 30. Identifiers: Orphanet 101010, MedGen C5235139, MONDO:0012476.
Intellectual disability, autosomal dominant 9 (NESCAVS). Also called: KIF1A-Related Neurodevelopmental Disorder; NESCAV SYNDROME. Identifiers: Orphanet 662367, MedGen C5393830, MONDO:0013656, OMIM 614255.

Submission:

Labcorp Genetics (formerly Invitae), Labcorp
Classification: Uncertain significance for Hereditary spastic paraplegia 30; Neuropathy, hereditary sensory, type 2C; Intellectual disability, autosomal dominant 9. Last evaluated: 2025-12-13. Review status: criteria provided, single submitter. Criteria: Invitae Variant Classification Sherloc (09022015). Collection method: clinical testing. Allele origin: germline.
Comment: This sequence change replaces aspartic acid, which is acidic and polar, with glutamic acid, which is acidic and polar, at codon 513 of the KIF1A protein (p.Asp513Glu). This variant is not present in population databases (gnomAD no frequency). This variant has not been reported in the literature in individuals affected with KIF1A-related conditions. Invitae Evidence Modeling of protein sequence and biophysical properties (such as structural, functional, and spatial information, amino acid conservation, physicochemical variation, residue mobility, and thermodynamic stability) indicates that this missense variant is expected to disrupt KIF1A protein function with a positive predictive value of 80%. In summary, the available evidence is currently insufficient to determine the role of this variant in disease. Therefore, it has been classified as a Variant of Uncertain Significance.